The following is an entry in ClinVar:

ClinVar aggregate classification (germline): Uncertain significance. Review status: criteria provided, multiple submitters, no conflicts (2 of 4 stars). 2 submissions from 2 submitters: Uncertain significance (2). Last evaluated 2026-09-12.

Conditions:
Neuroblastoma, susceptibility to, 3. Also called: ALK-Related Neuroblastic Tumor Susceptibility. Identifiers: Orphanet 635, MedGen C2751681, MONDO:0013083, OMIM 613014.
Hereditary cancer-predisposing syndrome. Also called: Hereditary Cancer Syndrome; Hereditary neoplastic syndrome; Neoplastic Syndromes, Hereditary; Tumor predisposition. Identifiers: Orphanet 140162, MedGen C0027672, MeSH D009386, MONDO:0015356.

Submissions (2):

Ambry Genetics
Classification: Uncertain significance for Hereditary cancer-predisposing syndrome. Last evaluated: 2026-09-12. Review status: criteria provided, single submitter. Criteria: Ambry Variant Classification Scheme 2023. Collection method: clinical testing. Allele origin: germline.
Comment: The p.H694D variant (also known as c.2080C>G), located in coding exon 12 of the ALK gene, results from a C to G substitution at nucleotide position 2080. The histidine at codon 694 is replaced by aspartic acid, an amino acid with similar properties. This amino acid position is conserved. In addition, this alteration is predicted to be tolerated by in silico analysis. Based on the available evidence, the clinical significance of this variant remains unclear.

Labcorp Genetics (formerly Invitae), Labcorp
Classification: Uncertain significance for Neuroblastoma, susceptibility to, 3. Last evaluated: 2025-06-22. Review status: criteria provided, single submitter. Criteria: Invitae Variant Classification Sherloc (09022015). Collection method: clinical testing. Allele origin: germline.
Comment: This sequence change replaces histidine, which is basic and polar, with aspartic acid, which is acidic and polar, at codon 694 of the ALK protein (p.His694Asp). This variant is not present in population databases (gnomAD no frequency). This variant has not been reported in the literature in individuals affected with ALK-related conditions. An algorithm developed to predict the effect of missense changes on protein structure and function (PolyPhen-2) suggests that this variant is likely to be tolerated. In summary, the available evidence is currently insufficient to determine the role of this variant in disease. Therefore, it has been classified as a Variant of Uncertain Significance.

NM_004304.5(ALK):c.2080C>G (p.His694Asp)

Gene: ALK (ALK receptor tyrosine kinase; minus strand). Cytogenetic location: 2p23.2.
Variant type: single nucleotide variant.
Coding change: c.2080C>G on transcript NM_004304.5 (MANE Select); coding-DNA position 2080, C replaced by G.
Protein change: p.His694Asp; replaces histidine 694 with aspartic acid.
Molecular consequence: missense variant.
Genome position (GRCh38, 1-based): chr2:29,251,229, G>C on the plus strand (C>G on the coding strand, the complement: ALK is on the minus strand). VCF-style: chr2-29251229-G-C. GRCh37 (hg19) VCF-style: chr2-29474095-G-C.
Other names: c.2080C>G (NM_004304.4); short protein forms H694D.
Identifiers: ClinVar variation 4770737 (VCV004770737.2).